The following is an entry in ClinVar:

NM_017780.4(CHD7):c.2041A>G (p.Lys681Glu)

Genes: CHD7 (chromodomain helicase DNA binding protein 7; plus strand), LOC126860403 (CDK7 strongly-dependent group 2 enhancer GRCh37_chr8:61693034-61694233; plus strand). Cytogenetic location: 8q12.2.
Variant type: single nucleotide variant.
Coding change: c.2041A>G on transcript NM_017780.4 (MANE Select); coding-DNA position 2041, A replaced by G.
Protein change: p.Lys681Glu; replaces lysine 681 with glutamic acid.
Molecular consequence: missense variant. On other transcripts: intron variant (1).
Genome position (GRCh38, 1-based): chr8:60,781,375, A>G. VCF-style: chr8-60781375-A-G. GRCh37 (hg19) VCF-style: chr8-61693934-A-G.
Other names: c.1716+325A>G (NM_001316690.1); short protein forms K681E.
Identifiers: ClinVar variation 3353937 (VCV003353937.7).
Genomic context (GRCh38, chr8:60,781,375, plus strand): 5'-GAGAAAAAAGAGCCCAAGGAACCCAAGACCCCGAAAGCCCCTAAGATTCCCAAAGAGCCA[A>G]AGGAAAAGAAAGCAAAAACTGCCACGCCAAAACCCAAATCCAGCAAAAAGTCAAGGTAGG-3'
Protein context (NP_060250.2, residues 671-691): PKAPKIPKEP[Lys681Glu]EKKAKTATPK

ClinVar aggregate classification (germline): Uncertain significance. Review status: criteria provided, multiple submitters, no conflicts (2 of 4 stars). 5 submissions from 5 submitters: Uncertain significance (4). 1 of the submissions does not count toward it. Last evaluated 2026-04-01.

Conditions:
CHARGE syndrome (CHARGE). Also called: Hittner Hirsch Kreh syndrome; CHARGE ASSOCIATION--COLOBOMA, HEART ANOMALY, CHOANAL ATRESIA, RETARDATION, GENITAL AND EAR ANOMALIES; Coloboma, heart anomaly, choanal atresia, retardation, genital and ear anomalies; CHARGE association; Hall-Hittner syndrome. Identifiers: Orphanet 138, MedGen C0265354, MONDO:0008965.
Hypogonadotropic hypogonadism 5 with or without anosmia (KAL5). Also called: CHD7-Related GnRH Deficiency (Kallmann Syndrome 5); HYPOGONADOTROPIC HYPOGONADISM 5 WITH ANOSMIA; HYPOGONADOTROPHIC HYPOGONADISM 5 WITHOUT ANOSMIA. Identifiers: Orphanet 478, MedGen C3552553, MONDO:0012880, OMIM 612370. Disease mechanism: loss of function.
CHD7-related disorder. Also called: CHD7-related condition.
Inborn genetic diseases. Identifiers: MedGen C0950123, MeSH D030342.

Submissions (5):

CeGaT Center for Human Genetics Tuebingen
Classification: Uncertain significance. Last evaluated: 2026-04-01. Review status: criteria provided, single submitter. Criteria: CeGaT Center For Human Genetics Tuebingen Variant Classification Criteria Version 2. Collection method: clinical testing. Allele origin: germline. Affected: yes. Observed: 1 variant allele.
Comment: CHD7: PM2

Ambry Genetics
Classification: Uncertain significance for Inborn genetic diseases. Last evaluated: 2025-08-20. Review status: criteria provided, single submitter. Criteria: Ambry Variant Classification Scheme 2023. Collection method: clinical testing. Allele origin: germline.

Labcorp Genetics (formerly Invitae), Labcorp
Classification: Uncertain significance for CHARGE syndrome. Last evaluated: 2024-07-12. Review status: criteria provided, single submitter. Criteria: Invitae Variant Classification Sherloc (09022015). Collection method: clinical testing. Allele origin: germline.
Comment: This sequence change replaces lysine, which is basic and polar, with glutamic acid, which is acidic and polar, at codon 681 of the CHD7 protein (p.Lys681Glu). This variant is not present in population databases (gnomAD no frequency). This variant has not been reported in the literature in individuals affected with CHD7-related conditions. Advanced modeling of protein sequence and biophysical properties (such as structural, functional, and spatial information, amino acid conservation, physicochemical variation, residue mobility, and thermodynamic stability) performed at Invitae indicates that this missense variant is not expected to disrupt CHD7 protein function with a negative predictive value of 80%. In summary, the available evidence is currently insufficient to determine the role of this variant in disease. Therefore, it has been classified as a Variant of Uncertain Significance.

Fulgent Genetics
Classification: Uncertain significance for CHD7-related CHARGE syndrome; Hypogonadotropic hypogonadism 5 with or without anosmia. Last evaluated: 2024-01-22. Review status: criteria provided, single submitter. Criteria: ACMG Guidelines, 2015. Collection method: clinical testing. Allele origin: germline.

PreventionGenetics, part of Exact Sciences
Classification: Uncertain significance for CHD7-related condition. Last evaluated: 2024-09-09. Review status: no assertion criteria provided. Collection method: clinical testing. Allele origin: germline. Not counted in ClinVar's aggregate classification.
Comment: The CHD7 c.2041A>G variant is predicted to result in the amino acid substitution p.Lys681Glu. To our knowledge, this variant has not been reported in the literature or in a large population database, indicating this variant is rare. At this time, the clinical significance of this variant is uncertain due to the absence of conclusive functional and genetic evidence.